The following is an entry in ClinVar:

ClinVar aggregate classification (germline): Uncertain significance (1 of 4 stars; one submission).

Conditions:
POLD1-related polyposis and colorectal cancer syndrome (CRCS10). Also called: Colorectal cancer 10; COLORECTAL CANCER, SUSCEPTIBILITY TO, ON CHROMOSOME 19q; Colorectal cancer, susceptibility to, 10. Identifiers: Orphanet 220460, MedGen C2675481, MONDO:0012953, OMIM 612591.

Submission:

Labcorp Genetics (formerly Invitae), Labcorp
Classification: Uncertain significance for POLD1-related polyposis and colorectal cancer syndrome. Last evaluated: 2022-04-21. Review status: criteria provided, single submitter. Criteria: Invitae Variant Classification Sherloc (09022015). Collection method: clinical testing. Allele origin: germline.
Comment: In summary, the available evidence is currently insufficient to determine the role of this variant in disease. Therefore, it has been classified as a Variant of Uncertain Significance. Algorithms developed to predict the effect of missense changes on protein structure and function (SIFT, PolyPhen-2, Align-GVGD) all suggest that this variant is likely to be disruptive. This variant has not been reported in the literature in individuals affected with POLD1-related conditions. This variant is not present in population databases (gnomAD no frequency). This sequence change replaces threonine, which is neutral and polar, with serine, which is neutral and polar, at codon 619 of the POLD1 protein (p.Thr619Ser).

NM_002691.4(POLD1):c.1855A>T (p.Thr619Ser)

Gene: POLD1 (DNA polymerase delta 1, catalytic subunit; plus strand). Cytogenetic location: 19q13.33.
Variant type: single nucleotide variant.
Coding change: c.1855A>T on transcript NM_002691.4 (MANE Select); coding-DNA position 1855, A replaced by T.
Protein change: p.Thr619Ser; replaces threonine 619 with serine.
Molecular consequence: missense variant. On other transcripts: non-coding transcript variant (1).
Genome position (GRCh38, 1-based): chr19:50,408,864, A>T. VCF-style: chr19-50408864-A-T. GRCh37 (hg19) VCF-style: chr19-50912121-A-T.
Other names: c.1855A>T, p.Thr619Ser (NM_001256849.1); c.1933A>T, p.Thr645Ser (NM_001308632.1); short protein forms T645S, T619S.
Identifiers: ClinVar variation 2106484 (VCV002106484.4), dbSNP rs758923483, ClinGen allele CA406982102.
Genomic context (GRCh38, chr19:50,408,864, plus strand): 5'-GCCACCCTGGACTTCTCCTCGCTGTACCCGTCCATCATGATGGCCCACAACCTGTGTTAC[A>T]CCACGCTCCTTCGGCCCGGGACTGCACAGAAACTGGGGTATAGTGCCCAATTCAGCATGT-3'
Protein context (NP_002682.2, residues 609-629): SIMMAHNLCY[Thr619Ser]TLLRPGTAQK